The following is an entry in ClinVar:

NM_005120.3(MED12):c.3785G>A (p.Arg1262Lys)

Gene: MED12 (mediator complex subunit 12; plus strand). Cytogenetic location: Xq13.1.
Variant type: single nucleotide variant.
Coding change: c.3785G>A on transcript NM_005120.3 (MANE Select); coding-DNA position 3785, G replaced by A.
Protein change: p.Arg1262Lys; replaces arginine 1262 with lysine.
Molecular consequence: missense variant.
Genome position (GRCh38, 1-based): chrX:71,129,773, G>A. VCF-style: chrX-71129773-G-A. GRCh37 (hg19) VCF-style: chrX-70349623-G-A.
Other names: short protein forms R1262K.
Identifiers: ClinVar variation 129588 (VCV000129588.18), dbSNP rs202120461, ClinGen allele CA231286.
Genomic context (GRCh38, chrX:71,129,773, plus strand): 5'-TGACAGGAGGAACAGAAGAACTTCCAGAGGAGGAGGGAGGAGGTGGCAGTGGTGGTCGGA[G>A]GCAGGGTGGCCGCAACATCTCTGTGGAGACAGCCAGTCTGGATGTCTATGCCAAGTACGT-3'
Protein context (NP_005111.2, residues 1252-1272): EEGGGGSGGR[Arg1262Lys]QGGRNISVET

ClinVar aggregate classification (germline): Conflicting classifications of pathogenicity. Review status: criteria provided, conflicting classifications (1 of 4 stars). 5 submissions from 5 submitters: Uncertain significance (2); Benign (1); Likely benign (2). Last evaluated 2026-03-23.

Conditions:
FG syndrome (FGS). Identifiers: MedGen C0220769, MONDO:0002010.
MED12-Related Disorders. Also called: MED12-related condition; MED12-related disorder. Identifiers: MedGen CN381102.
Familial thoracic aortic aneurysm and aortic dissection (TAAD). Also called: Thoracic aortic aneurysms and dissections. Identifiers: Orphanet 91387, MedGen C4707243, MONDO:0019625.

Allele frequency attached by ClinVar (database versions not stated): gnomAD 0.00002 and 0.00003; gnomAD exomes 0.00003 and 0.00005; ExAC 0.00006; TOPMed 0.00006.
gnomAD v4.1: 34 of 1,208,445 alleles (0.0028%); highest among the groups gnomAD compares: East Asian, 0.083%; no homozygotes.

Submissions (5):

PreventionGenetics, part of Exact Sciences
Classification: Likely benign for MED12-related condition. Last evaluated: 2026-03-23. Review status: criteria provided, single submitter. Criteria: ACMG Guidelines, 2015. Collection method: clinical testing. Allele origin: germline.
Comment: This variant is classified as likely benign based on ACMG/AMP sequence variant interpretation guidelines (Richards et al. 2015 PMID: 25741868, with internal and published modifications).

Labcorp Genetics (formerly Invitae), Labcorp
Classification: Benign for FG syndrome. Last evaluated: 2025-12-14. Review status: criteria provided, single submitter. Criteria: Invitae Variant Classification Sherloc (09022015). Collection method: clinical testing. Allele origin: germline.

Ambry Genetics
Classification: Uncertain significance for Familial thoracic aortic aneurysm and aortic dissection. Last evaluated: 2025-06-25. Review status: criteria provided, single submitter. Criteria: Ambry Variant Classification Scheme 2023. Collection method: clinical testing. Allele origin: germline.
Comment: The p.R1262K variant (also known as c.3785G>A), located in coding exon 27 of the MED12 gene, results from a G to A substitution at nucleotide position 3785. The arginine at codon 1262 is replaced by lysine, an amino acid with highly similar properties. This variant has been reported in an epilepsy cohort (Zhao X et al. Neurol Sci, 2022 Jul;43:4439-4451). Based on data from gnomAD, the A allele has an overall frequency of <0.01% (10/197062) total alleles studied, with 2 hemizygote(s) observed. The highest observed frequency was <0.01% (10/14265) of East Asian alleles. This amino acid position is not well conserved in available vertebrate species. In addition, this alteration is predicted to be tolerated by in silico analysis. Based on the available evidence, the clinical significance of this variant remains unclear.

GeneDx
Classification: Likely benign. Last evaluated: 2018-03-26. Review status: criteria provided, single submitter. Criteria: GeneDx Variant Classification (06012015). Collection method: clinical testing. Allele origin: germline. Affected: yes.
Comment: This variant is considered likely benign or benign based on one or more of the following criteria: it is a conservative change, it occurs at a poorly conserved position in the protein, it is predicted to be benign by multiple in silico algorithms, and/or has population frequency not consistent with disease.

Genetic Services Laboratory, University of Chicago
Classification: Uncertain significance. Last evaluated: 2013-08-29. Review status: criteria provided, single submitter. Criteria: ACMG Guidelines, 2007. Collection method: clinical testing. Allele origin: germline. Inheritance: X-linked inheritance.

Literature cited by the submitters: PubMed 35217970 (cited by Ambry Genetics).